The following is an entry in ClinVar:

NM_000276.4(OCRL):c.1948G>A (p.Glu650Lys)

Gene: OCRL (OCRL inositol polyphosphate-5-phosphatase; plus strand). Cytogenetic location: Xq26.1.
Variant type: single nucleotide variant.
Coding change: c.1948G>A on transcript NM_000276.4 (MANE Select); coding-DNA position 1948, G replaced by A.
Protein change: p.Glu650Lys; replaces glutamic acid 650 with lysine.
Molecular consequence: missense variant.
Genome position (GRCh38, 1-based): chrX:129,576,385, G>A. VCF-style: chrX-129576385-G-A. GRCh37 (hg19) VCF-style: chrX-128710362-G-A.
Other names: c.1951G>A, p.Glu651Lys (NM_001318784.2); c.1948G>A, p.Glu650Lys (NM_001587.4); short protein forms E650K, E651K.
Identifiers: ClinVar variation 3644371 (VCV003644371.2).

ClinVar aggregate classification (germline): Uncertain significance (1 of 4 stars; one submission).

Conditions:
Lowe syndrome (OCRL). Also called: LOWE OCULOCEREBRORENAL SYNDROME; PHOSPHATIDYLINOSITOL 4,5-BISPHOSPHATE 5-PHOSPHATASE DEFICIENCY; Oculocerebrorenal Syndrome. Identifiers: Orphanet 534, MedGen C0028860, MONDO:0010645, OMIM 309000.

Submission:

Labcorp Genetics (formerly Invitae), Labcorp
Classification: Uncertain significance for Lowe syndrome. Last evaluated: 2024-03-03. Review status: criteria provided, single submitter. Criteria: Invitae Variant Classification Sherloc (09022015). Collection method: clinical testing. Allele origin: germline.
Comment: This sequence change replaces glutamic acid, which is acidic and polar, with lysine, which is basic and polar, at codon 650 of the OCRL protein (p.Glu650Lys). This variant is not present in population databases (gnomAD no frequency). This variant has not been reported in the literature in individuals affected with OCRL-related conditions. Advanced modeling of protein sequence and biophysical properties (such as structural, functional, and spatial information, amino acid conservation, physicochemical variation, residue mobility, and thermodynamic stability) performed at Invitae indicates that this missense variant is not expected to disrupt OCRL protein function with a negative predictive value of 95%. In summary, the available evidence is currently insufficient to determine the role of this variant in disease. Therefore, it has been classified as a Variant of Uncertain Significance.